The following is an entry in ClinVar:

ClinVar aggregate classification (germline): Pathogenic (1 of 4 stars; one submission).

Submission:

GeneDx
Classification: Pathogenic. Last evaluated: 2014-07-16. Review status: criteria provided, single submitter. Criteria: GeneDx Variant Classification (06012015). Collection method: clinical testing. Allele origin: germline. Affected: yes.
Comment: p.Arg25681Stop (AGA>TGA): c.77041 A>T in exon 276 of the TTN gene (NM_001256850.1). The R25681X mutation in the TTN gene has not been reported as a disease-causing mutation or as a benign polymorphism to our knowledge. R25681X is predicted to cause loss of normal protein function either by protein truncation or nonsense-mediated mRNA decay. Other truncating TTN variants have been reported in approxipatemy 3% of control alleles (Herman et al., 2012). However, R25681X is located in the A-band region of titin, where the majority of truncating mutations associated with DCM have been reported (Herman et al., 2012).In summary, R25681X in the TTN gene is interpreted as a disease-causing mutation. The variant is found in CARDIOMYOPATHY panel(s).

NM_001267550.2(TTN):c.81964A>T (p.Arg27322Ter)

Genes: TTN (titin; minus strand), TTN-AS1 (TTN antisense RNA 1; plus strand). Cytogenetic location: 2q31.2.
Variant type: single nucleotide variant.
Coding change: c.81964A>T on transcript NM_001267550.2 (MANE Select); coding-DNA position 81964, A replaced by T.
Protein change: p.Arg27322Ter; replaces arginine 27322 with a stop codon.
Molecular consequence: nonsense.
Genome position (GRCh38, 1-based): chr2:178,564,168, T>A on the plus strand (A>T on the coding strand, the complement: TTN is on the minus strand). VCF-style: chr2-178564168-T-A. GRCh37 (hg19) VCF-style: chr2-179428895-T-A.
Other names: p.R25681*:AGA>TGA; c.77041A>T, p.Arg25681Ter (NM_001256850.1); c.54769A>T, p.Arg18257Ter (NM_003319.4); c.74260A>T, p.Arg24754Ter (NM_133378.4); c.55144A>T, p.Arg18382Ter (NM_133432.3); c.55345A>T, p.Arg18449Ter (NM_133437.4); short protein forms R25681*, R27322*, R24754*, R18257*, R18449*, R18382*.
Identifiers: ClinVar variation 202414 (VCV000202414.2), dbSNP rs794729293, ClinGen allele CA309339.